The following is an entry in ClinVar:

ClinVar aggregate classification (germline): Conflicting classifications of pathogenicity. Review status: criteria provided, conflicting classifications (1 of 4 stars). 3 submissions from 3 submitters: Uncertain significance (2); Likely benign (1). Last evaluated 2025-04-13.

Conditions:
Glomerulopathy with fibronectin deposits 2 (GFND2). Identifiers: Orphanet 84090, MedGen C1866075, MONDO:0011165, OMIM 601894.
Spondylometaphyseal dysplasia - Sutcliffe type. Also called: Spondylometaphyseal Dysplasia, Corner Fracture Type; Sutcliffe type of spondylometaphyseal dysplasia; Sutcliffe SMD; Spondylometaphyseal dysplasia, 'corner fracture' type. Identifiers: Orphanet 93315, MedGen C0432221, MONDO:0008479, OMIM 184255.
Inborn genetic diseases. Identifiers: MedGen C0950123, MeSH D030342.

Allele frequency attached by ClinVar (database versions not stated): gnomAD 0.00001; TOPMed 0.00003.
gnomAD v4.1: 24 of 1,614,026 alleles (0.0015%); highest among the groups gnomAD compares: Admixed American, 0.0067%; no homozygotes.

Submissions (3):

Ambry Genetics
Classification: Likely benign for Inborn genetic diseases. Last evaluated: 2025-04-13. Review status: criteria provided, single submitter. Criteria: Ambry Variant Classification Scheme 2023. Collection method: clinical testing. Allele origin: germline.

Fulgent Genetics
Classification: Uncertain significance for Spondylometaphyseal dysplasia - Sutcliffe type; Glomerulopathy with fibronectin deposits 2. Last evaluated: 2024-05-06. Review status: criteria provided, single submitter. Criteria: ACMG Guidelines, 2015. Collection method: clinical testing. Allele origin: germline.

Labcorp Genetics (formerly Invitae), Labcorp
Classification: Uncertain significance. Last evaluated: 2023-04-06. Review status: criteria provided, single submitter. Criteria: Invitae Variant Classification Sherloc (09022015). Collection method: clinical testing. Allele origin: germline.
Comment: This sequence change replaces lysine, which is basic and polar, with asparagine, which is neutral and polar, at codon 2110 of the FN1 protein (p.Lys2110Asn). This variant is present in population databases (no rsID available, gnomAD 0.009%). This variant has not been reported in the literature in individuals affected with FN1-related conditions. An algorithm developed to predict the effect of missense changes on protein structure and function (PolyPhen-2) suggests that this variant is likely to be tolerated. In summary, the available evidence is currently insufficient to determine the role of this variant in disease. Therefore, it has been classified as a Variant of Uncertain Significance.

NM_212482.4(FN1):c.6330G>C (p.Lys2110Asn)

Gene: FN1 (fibronectin 1; minus strand). Cytogenetic location: 2q35.
Variant type: single nucleotide variant.
Coding change: c.6330G>C on transcript NM_212482.4 (MANE Select); coding-DNA position 6330, G replaced by C.
Protein change: p.Lys2110Asn; replaces lysine 2110 with asparagine.
Molecular consequence: missense variant. On other transcripts: intron variant (3).
Genome position (GRCh38, 1-based): chr2:215,372,293, C>G on the plus strand (G>C on the coding strand, the complement: FN1 is on the minus strand). VCF-style: chr2-215372293-C-G. GRCh37 (hg19) VCF-style: chr2-216237016-C-G.
Other names: c.6330G>C (NM_212482.1); c.6330G>C, p.Lys2110Asn (NM_001306129.2); c.5787G>C, p.Lys1929Asn (NM_001306131.2, NM_212476.3); c.5712G>C, p.Lys1904Asn (NM_001306132.2, NM_001365523.2); c.6060G>C, p.Lys2020Asn (NM_001365517.2, NM_001365521.2); c.6057G>C, p.Lys2019Asn (NM_001365518.2, NM_002026.4); c.5985G>C, p.Lys1995Asn (NM_001365519.2, NM_001365522.2); c.5982G>C, p.Lys1994Asn (NM_001365520.2, NM_212478.3); and 3 more; short protein forms K1995N, K2019N, K2020N, K1904N, K1929N, K2110N, K1994N.
Identifiers: ClinVar variation 3016578 (VCV003016578.5), dbSNP rs908149134, ClinGen allele CA64845484.